The following is an entry in ClinVar:

ClinVar aggregate classification (germline): Benign/Likely benign. Review status: criteria provided, multiple submitters, no conflicts (2 of 4 stars). 5 submissions from 5 submitters: Benign (1); Likely benign (4). Last evaluated 2025-11-06.

Conditions:
Hereditary cancer-predisposing syndrome. Also called: Hereditary neoplastic syndrome; Tumor predisposition; Neoplastic Syndromes, Hereditary; Hereditary Cancer Syndrome. Identifiers: Orphanet 140162, MedGen C0027672, MeSH D009386, MONDO:0015356.
Familial thoracic aortic aneurysm and aortic dissection (TAAD). Also called: Thoracic aortic aneurysms and dissections. Identifiers: Orphanet 91387, MedGen C4707243, MONDO:0019625.
Juvenile polyposis syndrome (JPS). Identifiers: Orphanet 2929, MedGen C0345893, MONDO:0017380, OMIM 174900.
Juvenile polyposis/hereditary hemorrhagic telangiectasia syndrome (JPHT). Also called: Juvenile Polyposis Syndrome / Hereditary Hemorrhagic Telangiectasia (JPS/HHT); JP/HHT SYNDROME; JUVENILE POLYPOSIS WITH HEREDITARY HEMORRHAGIC TELANGIECTASIA; POLYPOSIS, GENERALIZED JUVENILE, WITH PULMONARY ARTERIOVENOUS MALFORMATION; TELANGIECTASIA, HEREDITARY HEMORRHAGIC, WITH JUVENILE POLYPOSIS COLI. Identifiers: Orphanet 2929, MedGen C1832942, MONDO:0008278, OMIM 175050.

Allele frequency attached by ClinVar (database versions not stated): gnomAD exomes below 0.00001.
gnomAD v4.1: 2 of 1,614,168 alleles (0.00012%); highest among the groups gnomAD compares: Non-Finnish European, 0.00017%; no homozygotes.

Submissions (5):

Labcorp Genetics (formerly Invitae), Labcorp
Classification: Likely benign for Juvenile polyposis syndrome. Last evaluated: 2025-11-06. Review status: criteria provided, single submitter. Criteria: Invitae Variant Classification Sherloc (09022015). Collection method: clinical testing. Allele origin: germline.

Ambry Genetics
Classification: Likely benign for Hereditary cancer-predisposing syndrome; Familial thoracic aortic aneurysm and aortic dissection. Last evaluated: 2025-08-24. Review status: criteria provided, single submitter. Criteria: Ambry Variant Classification Scheme 2023. Collection method: clinical testing. Allele origin: germline.

Myriad Genetics, Inc.
Classification: Benign for Juvenile polyposis/hereditary hemorrhagic telangiectasia syndrome. Last evaluated: 2025-03-24. Review status: criteria provided, single submitter. Criteria: Myriad Autosomal Dominant, Autosomal Recessive and X-Linked Classification Criteria (2023). Collection method: clinical testing. Allele origin: unknown.
Comment: This variant is considered benign. This variant is a silent/synonymous amino acid change and it is not expected to impact splicing.

Women's Health and Genetics/Laboratory Corporation of America, LabCorp
Classification: Likely benign. Last evaluated: 2019-08-29. Review status: criteria provided, single submitter. Criteria: LabCorp Variant Classification Summary - May 2015. Collection method: clinical testing. Allele origin: germline.

Color Diagnostics, LLC DBA Color Health
Classification: Likely benign for Hereditary cancer-predisposing syndrome. Last evaluated: 2017-10-12. Review status: criteria provided, single submitter. Criteria: ACMG Guidelines, 2015. Collection method: clinical testing. Allele origin: germline.

NM_005359.6(SMAD4):c.1473T>C (p.Gly491=)

Gene: SMAD4 (SMAD family member 4; plus strand). Cytogenetic location: 18q21.2.
Variant type: single nucleotide variant.
Coding change: c.1473T>C on transcript NM_005359.6 (MANE Select); coding-DNA position 1473, T replaced by C.
Protein change: p.Gly491=; no amino-acid change (glycine 491 retained).
Molecular consequence: synonymous variant.
Genome position (GRCh38, 1-based): chr18:51,078,281, T>C. VCF-style: chr18-51078281-T-C. GRCh37 (hg19) VCF-style: chr18-48604651-T-C.
Identifiers: ClinVar variation 492471 (VCV000492471.17), dbSNP rs1207826883, ClinGen allele CA503873971.